The following is an entry in ClinVar:

ClinVar aggregate classification (germline): Benign. Review status: criteria provided, multiple submitters, no conflicts (2 of 4 stars). 3 submissions from 3 submitters: Benign (3). Last evaluated 2021-06-19.

Conditions:
Thrombocytopenia. Identifiers: MedGen C0040034, MeSH D013921, MONDO:0002049, HP:0001873.

Allele frequency attached by ClinVar (database versions not stated): gnomAD 0.07899 and 0.07779; 1000 Genomes Project 30x 0.10181; TOPMed 0.08228; 1000 Genomes Project 0.09964; gnomAD exomes 0.05368.
gnomAD v4.1: 57,220 of 993,698 alleles (5.8%); highest among the groups gnomAD compares: African/African-American, 17%; 2,299 homozygotes.

Submissions (3):

GeneDx
Classification: Benign. Last evaluated: 2021-06-19. Review status: criteria provided, single submitter. Criteria: GeneDx Variant Classification Process June 2021. Collection method: clinical testing. Allele origin: germline. Affected: yes.

Illumina Laboratory Services, Illumina
Classification: Benign for Thrombocytopenia. Last evaluated: 2018-01-13. Review status: criteria provided, single submitter. Criteria: ICSL Variant Classification Criteria 13 December 2019. Collection method: clinical testing. Allele origin: germline.
Comment: This variant was observed in the ICSL laboratory as part of a predisposition screen in an ostensibly healthy population. It had not been previously curated by ICSL or reported in the Human Gene Mutation Database (HGMD: prior to June 1st, 2018), and was therefore a candidate for classification through an automated scoring system. Utilizing variant allele frequency, disease prevalence and penetrance estimates, and inheritance mode, an automated score was calculated to assess if this variant is too frequent to cause the disease. Based on the score and internal cut-off values, a variant classified as benign is not then subjected to further curation. The score for this variant resulted in a classification of benign for this disease.

Breakthrough Genomics
Classification: Benign. Review status: criteria provided, single submitter. Criteria: ACMG Guidelines, 2015. Collection method: not provided. Allele origin: germline. Inheritance: Unknown mechanism. Affected: yes.

NM_001172303.3(MASTL):c.*114A>G

Genes: ACBD5 (acyl-CoA binding domain containing 5; minus strand), MASTL (microtubule associated serine/threonine kinase like; plus strand). Cytogenetic location: 10p12.1.
Variant type: single nucleotide variant.
Coding change: c.*114A>G on transcript NM_001172303.3 (MANE Select); 114 bases downstream of the stop codon, A replaced by G.
Molecular consequence: 3 prime UTR variant. On other transcripts: non-coding transcript variant (1), intron variant (1).
Genome position (GRCh38, 1-based): chr10:27,186,650, A>G. VCF-style: chr10-27186650-A-G. GRCh37 (hg19) VCF-style: chr10-27475579-A-G.
Other names: c.*114A>G (NM_001372029.1, NM_001372030.1, NM_032844.5 and 3 more transcripts); c.1566-2335T>C (NM_001352570.1).
Identifiers: ClinVar variation 299803 (VCV000299803.9), dbSNP rs10764687, ClinGen allele CA10628479.